The following is an entry in ClinVar:

NM_001372.4(DNAH9):c.3464T>C (p.Val1155Ala)

Gene: DNAH9 (dynein axonemal heavy chain 9; plus strand). Cytogenetic location: 17p12.
Variant type: single nucleotide variant.
Coding change: c.3464T>C on transcript NM_001372.4 (MANE Select); coding-DNA position 3464, T replaced by C.
Protein change: p.Val1155Ala; replaces valine 1155 with alanine.
Molecular consequence: missense variant.
Genome position (GRCh38, 1-based): chr17:11,679,867, T>C. VCF-style: chr17-11679867-T-C. GRCh37 (hg19) VCF-style: chr17-11583184-T-C.
Other names: short protein forms V1155A.
Identifiers: ClinVar variation 3084210 (VCV003084210.19), dbSNP rs367594391, ClinGen allele CA287805338.

ClinVar aggregate classification (germline): Uncertain significance. Review status: criteria provided, multiple submitters, no conflicts (2 of 4 stars). 2 submissions from 2 submitters: Uncertain significance (2). Last evaluated 2024-06-01.

Conditions:
Inborn genetic diseases. Identifiers: MedGen C0950123, MeSH D030342.

gnomAD v4.1: 1 of 1,613,694 alleles (0.000062%); no homozygotes.

Submissions (2):

CeGaT Center for Human Genetics Tuebingen
Classification: Uncertain significance. Last evaluated: 2024-06-01. Review status: criteria provided, single submitter. Criteria: CeGaT Center For Human Genetics Tuebingen Variant Classification Criteria Version 2. Collection method: clinical testing. Allele origin: germline. Affected: yes. Observed: 1 variant allele.
Comment: DNAH9: PM2, BP4

Ambry Genetics
Classification: Uncertain significance for Inborn genetic diseases. Last evaluated: 2024-01-09. Review status: criteria provided, single submitter. Criteria: Ambry Variant Classification Scheme 2023. Collection method: clinical testing. Allele origin: germline.